The following is an entry in ClinVar:

ClinVar aggregate classification (germline): Likely benign. Review status: criteria provided, multiple submitters, no conflicts (2 of 4 stars). 3 submissions from 3 submitters: Likely benign (2). 1 of the submissions does not count toward it. Last evaluated 2026-01-22.

Conditions:
DNAH1-related disorder. Also called: DNAH1-related condition.
Spermatogenic failure 18. Identifiers: MedGen C4539783, MONDO:0054615, OMIM 617576.
Ciliary dyskinesia, primary, 37 (CILD37). Also called: CILIARY DYSKINESIA, PRIMARY, 37, WITH OR WITHOUT SITUS INVERSUS. Identifiers: MedGen C4539798, MONDO:0033204, OMIM 617577.

Allele frequency attached by ClinVar (database versions not stated): gnomAD exomes 0.00009; ExAC 0.00010; ESP Exome Variant Server 0.00040; gnomAD 0.00052 and 0.00057; TOPMed 0.00062.
gnomAD v4.1: 215 of 1,603,354 alleles (0.013%); highest among the groups gnomAD compares: African/African-American, 0.17%; no homozygotes.

Submissions (3):

Labcorp Genetics (formerly Invitae), Labcorp
Classification: Likely benign for Ciliary dyskinesia, primary, 37; Spermatogenic failure 18. Last evaluated: 2026-01-22. Review status: criteria provided, single submitter. Criteria: Invitae Variant Classification Sherloc (09022015). Collection method: clinical testing. Allele origin: germline.

Blueprint Genetics
Classification: Likely benign. Last evaluated: 2024-11-06. Review status: criteria provided, single submitter. Criteria: ACMG Guidelines, 2015. Collection method: clinical testing. Allele origin: germline.

PreventionGenetics, part of Exact Sciences
Classification: Likely benign for DNAH1-related condition. Last evaluated: 2019-08-13. Review status: no assertion criteria provided. Collection method: clinical testing. Allele origin: germline. Not counted in ClinVar's aggregate classification.
Comment: This variant is classified as likely benign based on ACMG/AMP sequence variant interpretation guidelines (Richards et al. 2015 PMID: 25741868, with internal and published modifications).

NM_015512.5(DNAH1):c.5518+9C>T

Gene: DNAH1 (dynein axonemal heavy chain 1; plus strand). Cytogenetic location: 3p21.1.
Variant type: single nucleotide variant.
Coding change: c.5518+9C>T on transcript NM_015512.5 (MANE Select); 9 bases into the intron after coding-DNA position 5518, C replaced by T.
Molecular consequence: intron variant.
Genome position (GRCh38, 1-based): chr3:52,365,028, C>T. VCF-style: chr3-52365028-C-T. GRCh37 (hg19) VCF-style: chr3-52399044-C-T.
Identifiers: ClinVar variation 724413 (VCV000724413.12), dbSNP rs373255914, ClinGen allele CA2434224.